The following is an entry in ClinVar:

ClinVar aggregate classification (germline): Uncertain significance (1 of 4 stars; one submission).

Submission:

GeneDx
Classification: Uncertain significance. Last evaluated: 2024-01-03. Review status: criteria provided, single submitter. Criteria: GeneDx Variant Classification Process June 2021. Collection method: clinical testing. Allele origin: germline. Affected: yes.
Comment: Not observed at significant frequency in large population cohorts (gnomAD); In silico analysis supports that this missense variant does not alter protein structure/function; Has not been previously published as pathogenic or benign to our knowledge

NM_015021.3(ZNF292):c.6305T>A (p.Leu2102His)

Gene: ZNF292 (zinc finger protein 292; plus strand). Cytogenetic location: 6q14.3.
Variant type: single nucleotide variant.
Coding change: c.6305T>A on transcript NM_015021.3 (MANE Select); coding-DNA position 6305, T replaced by A.
Protein change: p.Leu2102His; replaces leucine 2102 with histidine.
Molecular consequence: missense variant.
Genome position (GRCh38, 1-based): chr6:87,259,934, T>A. VCF-style: chr6-87259934-T-A. GRCh37 (hg19) VCF-style: chr6-87969652-T-A.
Other names: c.5885T>A, p.Leu1962His (NM_001351444.2); short protein forms L1962H, L2102H.
Identifiers: ClinVar variation 3367553 (VCV003367553.1).